The following is an entry in ClinVar:

ClinVar aggregate classification (germline): Conflicting classifications of pathogenicity. Review status: criteria provided, conflicting classifications (1 of 4 stars). 4 submissions from 3 submitters: Uncertain significance (2); Likely benign (2). Last evaluated 2024-10-23.

Conditions:
Transitory neonatal diabetes mellitus. Also called: Transient neonatal diabetes mellitus. Identifiers: MedGen C0342273, MONDO:0020525, HP:0008255.
Maturity-onset diabetes of the young (MODY). Also called: Maturity onset diabetes mellitus in young. Identifiers: Orphanet 552, MedGen C0342276, MONDO:0018911, HP:0004904.

Allele frequency attached by ClinVar (database versions not stated): TOPMed 0.00001; gnomAD exomes 0.00003 and 0.00004; ExAC 0.00004; gnomAD 0.00013.
gnomAD v4.1: 59 of 1,604,122 alleles (0.0037%); highest among the groups gnomAD compares: Non-Finnish European, 0.0028%; no homozygotes.

Submissions (4):

Blueprint Genetics
Classification: Likely benign. Last evaluated: 2024-10-23. Review status: criteria provided, single submitter. Criteria: ACMG Guidelines, 2015. Collection method: clinical testing. Allele origin: germline.

Labcorp Genetics (formerly Invitae), Labcorp
Classification: Likely benign. Last evaluated: 2023-10-05. Review status: criteria provided, single submitter. Criteria: Invitae Variant Classification Sherloc (09022015). Collection method: clinical testing. Allele origin: germline.

Clinical Genomics, Uppaluri K&H Personalized Medicine Clinic
Classification: Uncertain significance for Maturity-onset diabetes of the young. Review status: criteria provided, single submitter. Criteria: K & H Uppaluri Personalized Medicine Clinic Variant Classification & Assertion Criteria_Updated V.1. Collection method: research. Allele origin: unknown. Inheritance: Somatic mutation.
Comment: Mutations in ABCC8 gene are associated with both neonatal diabetes mellitus as well as MODY. Patients with this mutation may have a better response to sulfonylureas. However, no sufficient evidence is found to ascertain the role of this particular variant ( rs758231286) in MODY yet.

Clinical Genomics, Uppaluri K&H Personalized Medicine Clinic
Classification: Uncertain significance for Transitory neonatal diabetes mellitus. Review status: criteria provided, single submitter. Criteria: K & H Uppaluri Personalized Medicine Clinic Variant Classification & Assertion Criteria_Updated V.1. Collection method: research. Allele origin: unknown. Inheritance: Somatic mutation.
Comment: Mutations in ABCC8 gene are associated with both neonatal diabetes mellitus as well as MODY. Patients with this mutation may have a better response to sulfonylureas. However, no sufficient evidence is found to ascertain the role of this particular variant ( rs758231286) in neonatal diabetes yet.

Literature cited by the submitters: PubMed 16885549 (cited by Clinical Genomics, Uppaluri K&H Personalized Medicine Clinic); PubMed 21989597 (cited by Clinical Genomics, Uppaluri K&H Personalized Medicine Clinic); PubMed 27538677 (cited by Clinical Genomics, Uppaluri K&H Personalized Medicine Clinic); PubMed 18981553 (cited by Clinical Genomics, Uppaluri K&H Personalized Medicine Clinic); PubMed 32027066 (cited by Clinical Genomics, Uppaluri K&H Personalized Medicine Clinic); PubMed 16613899 (cited by Clinical Genomics, Uppaluri K&H Personalized Medicine Clinic); PubMed 18025408 (cited by Clinical Genomics, Uppaluri K&H Personalized Medicine Clinic); PubMed 32792356 (cited by Clinical Genomics, Uppaluri K&H Personalized Medicine Clinic).

NM_000352.6(ABCC8):c.45C>T (p.Tyr15=)

Gene: ABCC8 (ATP binding cassette subfamily C member 8; minus strand). Cytogenetic location: 11p15.1.
Variant type: single nucleotide variant.
Coding change: c.45C>T on transcript NM_000352.6 (MANE Select); coding-DNA position 45, C replaced by T.
Protein change: p.Tyr15=; no amino-acid change (tyrosine 15 retained).
Molecular consequence: synonymous variant. On other transcripts: non-coding transcript variant (1).
Genome position (GRCh38, 1-based): chr11:17,476,732, G>A on the plus strand (C>T on the coding strand, the complement: ABCC8 is on the minus strand). VCF-style: chr11-17476732-G-A. GRCh37 (hg19) VCF-style: chr11-17498279-G-A.
Other names: c.45C>T, p.Tyr15= (NM_001287174.3, NM_001351295.2, NM_001351296.2 and 1 more transcripts).
Identifiers: ClinVar variation 797937 (VCV000797937.12), dbSNP rs758231286, ClinGen allele CA5903997.